The following is an entry in ClinVar:

ClinVar aggregate classification (germline): Uncertain significance. Review status: criteria provided, multiple submitters, no conflicts (2 of 4 stars). 2 submissions from 2 submitters: Uncertain significance (2). Last evaluated 2025-04-09.

Conditions:
Hereditary cancer-predisposing syndrome. Also called: Hereditary neoplastic syndrome; Hereditary Cancer Syndrome; Neoplastic Syndromes, Hereditary; Tumor predisposition. Identifiers: Orphanet 140162, MedGen C0027672, MeSH D009386, MONDO:0015356.
Neuroblastoma, susceptibility to, 3. Also called: ALK-Related Neuroblastic Tumor Susceptibility. Identifiers: Orphanet 635, MedGen C2751681, MONDO:0013083, OMIM 613014.

Allele frequency attached by ClinVar (database versions not stated): ExAC 0.00001.

Submissions (2):

Ambry Genetics
Classification: Uncertain significance for Hereditary cancer-predisposing syndrome. Last evaluated: 2025-04-09. Review status: criteria provided, single submitter. Criteria: Ambry Variant Classification Scheme 2023. Collection method: clinical testing. Allele origin: germline.
Comment: The p.L636P variant (also known as c.1907T>C), located in coding exon 10 of the ALK gene, results from a T to C substitution at nucleotide position 1907. The leucine at codon 636 is replaced by proline, an amino acid with similar properties. This amino acid position is highly conserved in available vertebrate species. In addition, this alteration is predicted to be deleterious by in silico analysis. Based on the available evidence, the clinical significance of this variant remains unclear.

Labcorp Genetics (formerly Invitae), Labcorp
Classification: Uncertain significance for Neuroblastoma, susceptibility to, 3. Last evaluated: 2024-10-20. Review status: criteria provided, single submitter. Criteria: Invitae Variant Classification Sherloc (09022015). Collection method: clinical testing. Allele origin: germline.
Comment: This sequence change replaces leucine, which is neutral and non-polar, with proline, which is neutral and non-polar, at codon 636 of the ALK protein (p.Leu636Pro). This variant is present in population databases (rs772079919, gnomAD no frequency). This variant has not been reported in the literature in individuals affected with ALK-related conditions. An algorithm developed to predict the effect of missense changes on protein structure and function (PolyPhen-2) suggests that this variant is likely to be disruptive. In summary, the available evidence is currently insufficient to determine the role of this variant in disease. Therefore, it has been classified as a Variant of Uncertain Significance.

NM_004304.5(ALK):c.1907T>C (p.Leu636Pro)

Gene: ALK (ALK receptor tyrosine kinase; minus strand). Cytogenetic location: 2p23.2.
Variant type: single nucleotide variant.
Coding change: c.1907T>C on transcript NM_004304.5 (MANE Select); coding-DNA position 1907, T replaced by C.
Protein change: p.Leu636Pro; replaces leucine 636 with proline.
Molecular consequence: missense variant.
Genome position (GRCh38, 1-based): chr2:29,275,407, A>G on the plus strand (T>C on the coding strand, the complement: ALK is on the minus strand). VCF-style: chr2-29275407-A-G. GRCh37 (hg19) VCF-style: chr2-29498273-A-G.
Other names: c.1907T>C (NM_004304.4); short protein forms L636P.
Identifiers: ClinVar variation 3011277 (VCV003011277.4), dbSNP rs772079919, ClinGen allele CA1594500.